The following is an entry in ClinVar:

NM_080680.3(COL11A2):c.3623C>A (p.Pro1208His)

Gene: COL11A2 (collagen type XI alpha 2 chain; minus strand). Cytogenetic location: 6p21.32.
Variant type: single nucleotide variant.
Coding change: c.3623C>A on transcript NM_080680.3 (MANE Select); coding-DNA position 3623, C replaced by A.
Protein change: p.Pro1208His; replaces proline 1208 with histidine.
Molecular consequence: missense variant.
Genome position (GRCh38, 1-based): chr6:33,170,060, G>T on the plus strand (C>A on the coding strand, the complement: COL11A2 is on the minus strand). VCF-style: chr6-33170060-G-T. GRCh37 (hg19) VCF-style: chr6-33137837-G-T.
Other names: c.3302C>A, p.Pro1101His (NM_080679.3); c.3365C>A, p.Pro1122His (NM_080681.3); short protein forms P1101H, P1122H, P1208H.
Identifiers: ClinVar variation 1715918 (VCV001715918.6), dbSNP rs2534754014, ClinGen allele CA363628953.
Genomic context (GRCh38, chr6:33,170,060, plus strand): 5'-CCATCCCCCACTTCCATGACTGGTCCACTCACCCCCTTCCCAGTTACCTTCTCTCCAGGG[G>T]GACCCAGGTTCCCAACACCTCCTGGGGGACCTTGTGGGCCCTGGAAGAGGAACAGAAATA-3'
Protein context (NP_542411.2, residues 1198-1218): GPPGGVGNLG[Pro1208His]PGEKGEPGES

ClinVar aggregate classification (germline): Uncertain significance (1 of 4 stars; one submission).

Submission:

Labcorp Genetics (formerly Invitae), Labcorp
Classification: Uncertain significance. Last evaluated: 2022-08-09. Review status: criteria provided, single submitter. Criteria: Invitae Variant Classification Sherloc (09022015). Collection method: clinical testing. Allele origin: germline.
Comment: In summary, the available evidence is currently insufficient to determine the role of this variant in disease. Therefore, it has been classified as a Variant of Uncertain Significance. Advanced modeling of protein sequence and biophysical properties (such as structural, functional, and spatial information, amino acid conservation, physicochemical variation, residue mobility, and thermodynamic stability) performed at Invitae indicates that this missense variant is not expected to disrupt COL11A2 protein function. This variant has not been reported in the literature in individuals affected with COL11A2-related conditions. This variant is not present in population databases (gnomAD no frequency). This sequence change replaces proline, which is neutral and non-polar, with histidine, which is basic and polar, at codon 1208 of the COL11A2 protein (p.Pro1208His).